The following is an entry in ClinVar:

NM_024408.4(NOTCH2):c.3395C>G (p.Thr1132Arg)

Gene: NOTCH2 (notch receptor 2; minus strand). Cytogenetic location: 1p12.
Variant type: single nucleotide variant.
Coding change: c.3395C>G on transcript NM_024408.4 (MANE Select); coding-DNA position 3395, C replaced by G.
Protein change: p.Thr1132Arg; replaces threonine 1132 with arginine.
Molecular consequence: missense variant.
Genome position (GRCh38, 1-based): chr1:119,937,409, G>C on the plus strand (C>G on the coding strand, the complement: NOTCH2 is on the minus strand). VCF-style: chr1-119937409-G-C. GRCh37 (hg19) VCF-style: chr1-120480032-G-C.
Other names: c.3395C>G, p.Thr1132Arg (NM_001200001.2); short protein forms T1132R.
Identifiers: ClinVar variation 3586925 (VCV003586925.3).

ClinVar aggregate classification (germline): Uncertain significance. Review status: criteria provided, multiple submitters, no conflicts (2 of 4 stars). 2 submissions from 2 submitters: Uncertain significance (2). Last evaluated 2024-08-29.

Conditions:
Alagille syndrome due to a NOTCH2 point mutation. Also called: Alagille syndrome 2. Identifiers: Orphanet 261629, Orphanet 52, MedGen C1857761, MONDO:0012439, OMIM 610205.
Hajdu-Cheney syndrome (HJCYS). Also called: SERPENTINE FIBULA-POLYCYSTIC KIDNEY SYNDROME; Acroosteolysis dominant type; ACROOSTEOLYSIS WITH OSTEOPOROSIS AND CHANGES IN SKULL AND MANDIBLE. Identifiers: Orphanet 955, MedGen C0917715, MONDO:0007057, OMIM 102500.

gnomAD v4.1: 4 of 1,614,118 alleles (0.00025%); highest among the groups gnomAD compares: Admixed American, 0.0067%; no homozygotes.

Submissions (2):

Labcorp Genetics (formerly Invitae), Labcorp
Classification: Uncertain significance for Hajdu-Cheney syndrome. Last evaluated: 2024-08-29. Review status: criteria provided, single submitter. Criteria: Invitae Variant Classification Sherloc (09022015). Collection method: clinical testing. Allele origin: germline.
Comment: This sequence change replaces threonine, which is neutral and polar, with arginine, which is basic and polar, at codon 1132 of the NOTCH2 protein (p.Thr1132Arg). This variant is present in population databases (rs782154565, gnomAD 0.009%). This variant has not been reported in the literature in individuals affected with NOTCH2-related conditions. Invitae Evidence Modeling of protein sequence and biophysical properties (such as structural, functional, and spatial information, amino acid conservation, physicochemical variation, residue mobility, and thermodynamic stability) indicates that this missense variant is not expected to disrupt NOTCH2 protein function with a negative predictive value of 80%. In summary, the available evidence is currently insufficient to determine the role of this variant in disease. Therefore, it has been classified as a Variant of Uncertain Significance.

Fulgent Genetics
Classification: Uncertain significance for Hajdu-Cheney syndrome; Alagille syndrome due to a NOTCH2 point mutation. Last evaluated: 2024-03-24. Review status: criteria provided, single submitter. Criteria: ACMG Guidelines, 2015. Collection method: clinical testing. Allele origin: germline.